The following is an entry in ClinVar:

NM_001035.3(RYR2):c.14310C>T (p.Thr4770=)

Gene: RYR2 (ryanodine receptor 2; plus strand). Cytogenetic location: 1q43.
Variant type: single nucleotide variant.
Coding change: c.14310C>T on transcript NM_001035.3 (MANE Select); coding-DNA position 14310, C replaced by T.
Protein change: p.Thr4770=; no amino-acid change (threonine 4770 retained).
Molecular consequence: synonymous variant.
Genome position (GRCh38, 1-based): chr1:237,808,912, C>T. VCF-style: chr1-237808912-C-T. GRCh37 (hg19) VCF-style: chr1-237972212-C-T.
Identifiers: ClinVar variation 701255 (VCV000701255.17), dbSNP rs372967537, ClinGen allele CA085644.

ClinVar aggregate classification (germline): Likely benign. Review status: criteria provided, multiple submitters, no conflicts (2 of 4 stars). 5 submissions from 5 submitters: Likely benign (5). Last evaluated 2026-01-27.

Conditions:
Catecholaminergic polymorphic ventricular tachycardia 1. Also called: VENTRICULAR TACHYCARDIA, CATECHOLAMINERGIC POLYMORPHIC, 1, WITH OR WITHOUT ATRIAL DYSFUNCTION AND/OR DILATED CARDIOMYOPATHY; RYR2-Related Catecholaminergic Polymorphic Ventricular Tachycardia; VENTRICULAR TACHYCARDIA, STRESS-INDUCED POLYMORPHIC 1. Identifiers: Orphanet 3286, MedGen C1631597, MONDO:0011484, OMIM 604772.
Cardiovascular phenotype. Identifiers: MedGen CN230736.
Catecholaminergic polymorphic ventricular tachycardia (CVPT). Also called: Catecholamine-induced polymorphic ventricular tachycardia. Identifiers: Orphanet 3286, MedGen C5574922, MONDO:0017990.
Cardiomyopathy (CMYO). Also called: Cardiomyopathies. Identifiers: Orphanet 167848, MedGen C0878544, MONDO:0004994, HP:0001638. Inheritance: Various modes of inheritance.

Allele frequency attached by ClinVar (database versions not stated): TOPMed 0.00003; ExAC 0.00004; gnomAD 0.00006; ESP Exome Variant Server 0.00008; 1000 Genomes Project 30x 0.00016; 1000 Genomes Project 0.00020.
gnomAD v4.1: 42 of 1,613,588 alleles (0.0026%); highest among the groups gnomAD compares: African/African-American, 0.012%; no homozygotes.

Submissions (5):

Labcorp Genetics (formerly Invitae), Labcorp
Classification: Likely benign for Catecholaminergic polymorphic ventricular tachycardia 1. Last evaluated: 2026-01-27. Review status: criteria provided, single submitter. Criteria: Invitae Variant Classification Sherloc (09022015). Collection method: clinical testing. Allele origin: germline.

Blueprint Genetics
Classification: Likely benign. Last evaluated: 2024-10-08. Review status: criteria provided, single submitter. Criteria: ACMG Guidelines, 2015. Collection method: clinical testing. Allele origin: germline.

All of Us Research Program, National Institutes of Health
Classification: Likely benign for Catecholaminergic polymorphic ventricular tachycardia. Last evaluated: 2023-12-13. Review status: criteria provided, single submitter. Criteria: ACMG Guidelines, 2015. Collection method: clinical testing. Allele origin: germline. Inheritance: Autosomal dominant inheritance. Observed: 3 variant alleles, 3 heterozygotes.
Comment: This study involves interpretation of variants in research participants for the purpose of population health screening. Participant phenotype was not available at the time of variant classification. Additional details can be found in publication PMID: 35346344, PMCID: PMC8962531

Color Diagnostics, LLC DBA Color Health
Classification: Likely benign for Cardiomyopathy. Last evaluated: 2020-03-09. Review status: criteria provided, single submitter. Criteria: ACMG Guidelines, 2015. Collection method: clinical testing. Allele origin: germline.

Ambry Genetics
Classification: Likely benign for Cardiovascular phenotype. Last evaluated: 2018-06-12. Review status: criteria provided, single submitter. Criteria: Ambry Variant Classification Scheme 2023. Collection method: clinical testing. Allele origin: germline.